The following is an entry in ClinVar:

NM_001374736.1(DST):c.3022G>A (p.Val1008Met)

Gene: DST (dystonin; minus strand). Cytogenetic location: 6p12.1.
Variant type: single nucleotide variant.
Coding change: c.3022G>A on transcript NM_001374736.1 (MANE Select); coding-DNA position 3022, G replaced by A.
Protein change: p.Val1008Met; replaces valine 1008 with methionine.
Molecular consequence: missense variant.
Genome position (GRCh38, 1-based): chr6:56,636,595, C>T on the plus strand (G>A on the coding strand, the complement: DST is on the minus strand). VCF-style: chr6-56636595-C-T. GRCh37 (hg19) VCF-style: chr6-56501393-C-T.
Other names: c.2923G>A, p.Val975Met (NM_001144769.5); c.2509G>A, p.Val837Met (NM_001144770.2); c.3022G>A, p.Val1008Met (NM_001374722.1); c.2389G>A, p.Val797Met (NM_001374729.1, NM_001374730.1, NM_001386100.1 and 1 more transcripts); c.3049G>A, p.Val1017Met (NM_001374734.1); c.1411G>A, p.Val471Met (NM_001723.7, NM_015548.5); short protein forms V1008M, V1017M, V471M, V797M, V837M, V975M.
Identifiers: ClinVar variation 1714777 (VCV001714777.6), dbSNP rs2537101110, ClinGen allele CA364576934.

ClinVar aggregate classification (germline): Uncertain significance (1 of 4 stars; one submission).

Conditions:
Epidermolysis bullosa simplex 3, localized or generalized intermediate, with BP230 deficiency (EBS3). Also called: Epidermolysis bullosa simplex, autosomal recessive 2; Epidermolysis bullosa simplex due to BP230 deficiency. Identifiers: Orphanet 412181, MedGen C3809470, MONDO:0014180, OMIM 615425.
Hereditary sensory and autonomic neuropathy type 6. Also called: Neuropathy, hereditary sensory and autonomic, type VI; HSAN VI. Identifiers: Orphanet 314381, MedGen C3539003, MONDO:0013839, OMIM 614653.

Submission:

Labcorp Genetics (formerly Invitae), Labcorp
Classification: Uncertain significance for Epidermolysis bullosa simplex 3, localized or generalized intermediate, with BP230 deficiency; Hereditary sensory and autonomic neuropathy type 6. Last evaluated: 2022-08-02. Review status: criteria provided, single submitter. Criteria: Invitae Variant Classification Sherloc (09022015). Collection method: clinical testing. Allele origin: germline.
Comment: Algorithms developed to predict the effect of missense changes on protein structure and function are either unavailable or do not agree on the potential impact of this missense change (SIFT: "Deleterious"; PolyPhen-2: "Probably Damaging"; Align-GVGD: "Class C15"). In summary, the available evidence is currently insufficient to determine the role of this variant in disease. Therefore, it has been classified as a Variant of Uncertain Significance. This variant has not been reported in the literature in individuals affected with DST-related conditions. This variant is not present in population databases (gnomAD no frequency). This sequence change replaces valine, which is neutral and non-polar, with methionine, which is neutral and non-polar, at codon 471 of the DST protein (p.Val471Met).